The following is an entry in ClinVar:

ClinVar aggregate classification (germline): Uncertain significance (1 of 4 stars; one submission).

Conditions:
Inborn genetic diseases. Identifiers: MedGen C0950123, MeSH D030342.

Submission:

Ambry Genetics
Classification: Uncertain significance for Inborn genetic diseases. Last evaluated: 2024-09-05. Review status: criteria provided, single submitter. Criteria: Ambry Variant Classification Scheme 2023. Collection method: clinical testing. Allele origin: germline.
Comment: The c.3263A>G (p.D1088G) alteration is located in exon 24 (coding exon 23) of the TRRAP gene. This alteration results from a A to G substitution at nucleotide position 3263, causing the aspartic acid (D) at amino acid position 1088 to be replaced by a glycine (G). This variant was not reported in population-based cohorts in the Genome Aggregation Database (gnomAD). This amino acid position is highly conserved in available vertebrate species. This alteration is predicted to be deleterious by in silico analysis. Based on insufficient or conflicting evidence, the clinical significance of this alteration remains unclear.

NM_001375524.1(TRRAP):c.3263A>G (p.Asp1088Gly)

Gene: TRRAP (transformation/transcription domain associated protein; plus strand). Cytogenetic location: 7q22.1.
Variant type: single nucleotide variant.
Coding change: c.3263A>G on transcript NM_001375524.1 (MANE Select); coding-DNA position 3263, A replaced by G.
Protein change: p.Asp1088Gly; replaces aspartic acid 1088 with glycine.
Molecular consequence: missense variant.
Genome position (GRCh38, 1-based): chr7:98,930,076, A>G. VCF-style: chr7-98930076-A-G. GRCh37 (hg19) VCF-style: chr7-98527699-A-G.
Other names: c.3263A>G, p.Asp1088Gly (NM_001244580.2, NM_003496.4); short protein forms D1088G.
Identifiers: ClinVar variation 3462377 (VCV003462377.1).